The following is an entry in ClinVar:

ClinVar aggregate classification (germline): Uncertain significance. Review status: criteria provided, multiple submitters, no conflicts (2 of 4 stars). 4 submissions from 3 submitters: Uncertain significance (4). Last evaluated 2026-03-16.

Conditions:
Alpha thalassemia-X-linked intellectual disability syndrome (ATRX). Also called: X-linked alpha-thalassemia-mental retardation syndrome; ALPHA-THALASSEMIA/IMPAIRED INTELLECTUAL DEVELOPMENT SYNDROME, X-LINKED; ALPHA-THALASSEMIA/MENTAL RETARDATION SYNDROME, X-LINKED; ATR, NONDELETION TYPE; ATR-X syndrome; Alpha thalassemia mental retardation syndrome, nondeletion type, X-linked. Identifiers: Orphanet 847, MedGen C1845055, MONDO:0010519, OMIM 301040.
Intellectual disability-hypotonic facies syndrome, X-linked, 1 (MRXHF1). Also called: HOLMES-GANG SYNDROME; X-linked intellectual disability-hypotonic face syndrome; XLMR-HYPOTONIC FACIES SYNDROME; CHUDLEY-LOWRY SYNDROME; Chudley syndrome 1; Chudley-Lowry-Hoar syndrome. Identifiers: Orphanet 73220, Orphanet 93970, Orphanet 93971, Orphanet 93972, Orphanet 93973, Orphanet 93974, Orphanet 93975, MedGen C4759781, MONDO:0010663, OMIM 309580.

Submissions (4):

GeneDx
Classification: Uncertain significance. Last evaluated: 2026-03-16. Review status: criteria provided, single submitter. Criteria: GeneDx Variant Classification Process June 2021. Collection method: clinical testing. Allele origin: germline.
Comment: Not observed at significant frequency in large population cohorts (gnomAD); In silico analysis supports that this missense variant has a deleterious effect on protein structure/function; Has not been previously published as pathogenic or benign to our knowledge

Labcorp Genetics (formerly Invitae), Labcorp
Classification: Uncertain significance for Alpha thalassemia-X-linked intellectual disability syndrome. Last evaluated: 2022-05-31. Review status: criteria provided, single submitter. Criteria: Invitae Variant Classification Sherloc (09022015). Collection method: clinical testing. Allele origin: germline.
Comment: ClinVar contains an entry for this variant (Variation ID: 1195966). Advanced modeling of protein sequence and biophysical properties (such as structural, functional, and spatial information, amino acid conservation, physicochemical variation, residue mobility, and thermodynamic stability) performed at Invitae indicates that this missense variant is expected to disrupt ATRX protein function. In summary, the available evidence is currently insufficient to determine the role of this variant in disease. Therefore, it has been classified as a Variant of Uncertain Significance. This variant has not been reported in the literature in individuals affected with ATRX-related conditions. This sequence change replaces lysine, which is basic and polar, with isoleucine, which is neutral and non-polar, at codon 782 of the ATRX protein (p.Lys782Ile). This variant is not present in population databases (gnomAD no frequency).

Genome-Nilou Lab
Classification: Uncertain significance for Alpha thalassemia-X-linked intellectual disability syndrome. Last evaluated: 2021-07-14. Review status: criteria provided, single submitter. Criteria: ACMG Guidelines, 2015. Collection method: clinical testing. Allele origin: germline. Affected: no.

Genome-Nilou Lab
Classification: Uncertain significance for Intellectual disability-hypotonic facies syndrome, X-linked, 1. Last evaluated: 2021-07-14. Review status: criteria provided, single submitter. Criteria: ACMG Guidelines, 2015. Collection method: clinical testing. Allele origin: germline. Affected: no.

NM_000489.6(ATRX):c.2345A>T (p.Lys782Ile)

Gene: ATRX (ATRX chromatin remodeler; minus strand). Cytogenetic location: Xq21.1.
Variant type: single nucleotide variant.
Coding change: c.2345A>T on transcript NM_000489.6 (MANE Select); coding-DNA position 2345, A replaced by T.
Protein change: p.Lys782Ile; replaces lysine 782 with isoleucine.
Molecular consequence: missense variant.
Genome position (GRCh38, 1-based): chrX:77,682,911, T>A on the plus strand (A>T on the coding strand, the complement: ATRX is on the minus strand). VCF-style: chrX-77682911-T-A. GRCh37 (hg19) VCF-style: chrX-76938403-T-A.
Other names: c.2231A>T, p.Lys744Ile (NM_138270.5); c.2345A>T (NM_000489.3); short protein forms K744I, K782I.
Identifiers: ClinVar variation 1195966 (VCV001195966.9), dbSNP rs781957333, ClinGen allele CA413712620.